The following is an entry in ClinVar:

ClinVar aggregate classification (germline): Uncertain significance (1 of 4 stars; one submission).

Conditions:
Cystic fibrosis (CF). Also called: MUCOVISCIDOSIS. Identifiers: Orphanet 586, MedGen C0010674, MONDO:0009061, OMIM 219700. Disease mechanism: loss of function.

Allele frequency attached by ClinVar (database versions not stated): gnomAD exomes below 0.00001; TOPMed below 0.00001.
gnomAD v4.1: 2 of 1,607,524 alleles (0.00012%); highest among the groups gnomAD compares: African/African-American, 0.0013%; no homozygotes.

Submission:

Ambry Genetics
Classification: Uncertain significance for Cystic fibrosis. Last evaluated: 2025-06-23. Review status: criteria provided, single submitter. Criteria: Ambry Variant Classification Scheme 2023. Collection method: clinical testing. Allele origin: germline.
Comment: The p.M472V variant (also known as c.1414A>G), located in coding exon 11 of the CFTR gene, results from an A to G substitution at nucleotide position 1414. The methionine at codon 472 is replaced by valine, an amino acid with highly similar properties. This amino acid position is conserved. In addition, the in silico prediction for this alteration is inconclusive. Since supporting evidence is limited at this time, the clinical significance of this alteration remains unclear.

NM_000492.4(CFTR):c.1414A>G (p.Met472Val)

Genes: CFTR (CF transmembrane conductance regulator; plus strand), CFTR-AS1 (CFTR antisense RNA 1; minus strand). Cytogenetic location: 7q31.2.
Variant type: single nucleotide variant.
Coding change: c.1414A>G on transcript NM_000492.4 (MANE Select); coding-DNA position 1414, A replaced by G.
Protein change: p.Met472Val; replaces methionine 472 with valine.
Molecular consequence: missense variant.
Genome position (GRCh38, 1-based): chr7:117,559,485, A>G. VCF-style: chr7-117559485-A-G. GRCh37 (hg19) VCF-style: chr7-117199539-A-G.
Other names: short protein forms M472V.
Identifiers: ClinVar variation 2447417 (VCV002447417.3), dbSNP rs1799417369, ClinGen allele CA368984332.